The following is an entry in ClinVar:

ClinVar aggregate classification (germline): Likely benign. Review status: criteria provided, multiple submitters, no conflicts (2 of 4 stars). 2 submissions from 2 submitters: Likely benign (2). Last evaluated 2025-12-19.

Conditions:
REEP6-related disorder. Also called: REEP6-related condition.

Allele frequency attached by ClinVar (database versions not stated): gnomAD 0.00002 and 0.00003; TOPMed 0.00002; ExAC 0.00025.
gnomAD v4.1: 40 of 712,300 alleles (0.0056%); highest among the groups gnomAD compares: South Asian, 0.036%; 1 homozygote.

Submissions (2):

Labcorp Genetics (formerly Invitae), Labcorp
Classification: Likely benign. Last evaluated: 2025-12-19. Review status: criteria provided, single submitter. Criteria: Invitae Variant Classification Sherloc (09022015). Collection method: clinical testing. Allele origin: germline.

PreventionGenetics, part of Exact Sciences
Classification: Likely benign for REEP6-related condition. Last evaluated: 2025-06-23. Review status: criteria provided, single submitter. Criteria: ACMG Guidelines, 2015. Collection method: clinical testing. Allele origin: germline.
Comment: This variant is classified as likely benign based on ACMG/AMP sequence variant interpretation guidelines (Richards et al. 2015 PMID: 25741868, with internal and published modifications).

NM_138393.4(REEP6):c.517+228C>T

Gene: REEP6 (receptor accessory protein 6; plus strand). Cytogenetic location: 19p13.3.
Variant type: single nucleotide variant.
Coding change: c.517+228C>T on transcript NM_138393.4 (MANE Select); 228 bases into the intron after coding-DNA position 517, C replaced by T.
Molecular consequence: intron variant.
Genome position (GRCh38, 1-based): chr19:1,496,681, C>T. VCF-style: chr19-1496681-C-T. GRCh37 (hg19) VCF-style: chr19-1496680-C-T.
Other names: c.598+10C>T (NM_001329556.3, NM_001329556.1).
Identifiers: ClinVar variation 1110991 (VCV001110991.10), dbSNP rs759398152, ClinGen allele CA9047656.